The following is an entry in ClinVar:

ClinVar aggregate classification (germline): Pathogenic (1 of 4 stars; one submission).

Submission:

Labcorp Genetics (formerly Invitae), Labcorp
Classification: Pathogenic. Last evaluated: 2024-05-06. Review status: criteria provided, single submitter. Criteria: Invitae Variant Classification Sherloc (09022015). Collection method: clinical testing. Allele origin: germline.
Comment: This sequence change creates a premature translational stop signal (p.Ser244Ilefs*6) in the PAK3 gene. It is expected to result in an absent or disrupted protein product. Loss-of-function variants in PAK3 are known to be pathogenic (PMID: 9731525, 18523455). This variant is not present in population databases (gnomAD no frequency). This variant has not been reported in the literature in individuals affected with PAK3-related conditions. For these reasons, this variant has been classified as Pathogenic.

Literature cited by the submitters: PubMed 9731525; PubMed 18523455.

NM_002578.5(PAK3):c.729dup (p.Ser244fs)

Gene: PAK3 (p21 (RAC1) activated kinase 3; plus strand). Cytogenetic location: Xq23.
Variant type: Duplication.
Coding change: c.729dup on transcript NM_002578.5 (MANE Select); coding-DNA position 729, one base duplicated (A; older notation c.729dupA).
Protein change: p.Ser244fs; shifts the reading frame from serine 244.
Molecular consequence: frameshift variant. On other transcripts: non-coding transcript variant (2).
Genome position (GRCh38, 1-based): chrX:111,163,690, A duplicated; the last of 7 consecutive A bases (chrX:111,163,684-111,163,690); duplicating any one gives the same sequence. VCF-style (leftmost placement, unchanged base first): chrX-111163683-G-GA. GRCh37 (hg19) VCF-style: chrX-110406911-G-GA.
Other names: c.729dup, p.Ser244fs (NM_001128166.3, NM_001128167.3, NM_001324325.2 and 5 more transcripts); c.837dup, p.Ser280fs (NM_001128168.3); c.792dup, p.Ser265fs (NM_001128172.2); c.774dup, p.Ser259fs (NM_001128173.3, NM_001324327.2, NM_001324328.2 and 2 more transcripts); short protein forms S244fs, S259fs, S265fs, S280fs.
Identifiers: ClinVar variation 3643785 (VCV003643785.2).